The following is an entry in ClinVar:

NM_002224.4(ITPR3):c.7311G>A (p.Ser2437=)

Gene: ITPR3 (inositol 1,4,5-trisphosphate receptor type 3; plus strand). Cytogenetic location: 6p21.31.
Variant type: single nucleotide variant.
Coding change: c.7311G>A on transcript NM_002224.4 (MANE Select); coding-DNA position 7311, G replaced by A.
Protein change: p.Ser2437=; no amino-acid change (serine 2437 retained).
Molecular consequence: synonymous variant.
Genome position (GRCh38, 1-based): chr6:33,691,700, G>A. VCF-style: chr6-33691700-G-A. GRCh37 (hg19) VCF-style: chr6-33659477-G-A.
Identifiers: ClinVar variation 3051947 (VCV003051947.3), dbSNP rs113565114, ClinGen allele CA3762142.

ClinVar aggregate classification (germline): Likely benign. Review status: criteria provided, single submitter (1 of 4 stars). 2 submissions from 2 submitters: Likely benign (1). 1 of the submissions does not count toward it. Last evaluated 2024-07-09.

Conditions:
ITPR3-related disorder. Also called: ITPR3-related condition.

Allele frequency attached by ClinVar (database versions not stated): ESP Exome Variant Server 0.00008; gnomAD exomes 0.00008; ExAC 0.00013; TOPMed 0.00032; gnomAD 0.00037; 1000 Genomes Project 0.00080; 1000 Genomes Project 30x 0.00109.

Submissions (2):

Blueprint Genetics
Classification: Likely benign. Last evaluated: 2024-07-09. Review status: criteria provided, single submitter. Criteria: ACMG Guidelines, 2015. Collection method: clinical testing. Allele origin: germline.

PreventionGenetics, part of Exact Sciences
Classification: Likely benign for ITPR3-related condition. Last evaluated: 2020-02-26. Review status: no assertion criteria provided. Collection method: clinical testing. Allele origin: germline. Not counted in ClinVar's aggregate classification.
Comment: This variant is classified as likely benign based on ACMG/AMP sequence variant interpretation guidelines (Richards et al. 2015 PMID: 25741868, with internal and published modifications).